The following is an entry in ClinVar:

NM_001014987.2(LAT):c.586C>T (p.Gln196Ter)

Gene: LAT (linker for activation of T cells; plus strand). Cytogenetic location: 16p11.2.
Variant type: single nucleotide variant.
Coding change: c.586C>T on transcript NM_001014987.2 (MANE Select); coding-DNA position 586, C replaced by T.
Protein change: p.Gln196Ter; replaces glutamine 196 with a stop codon.
Molecular consequence: nonsense.
Genome position (GRCh38, 1-based): chr16:28,989,803, C>T. VCF-style: chr16-28989803-C-T. GRCh37 (hg19) VCF-style: chr16-29001124-C-T.
Other names: c.583C>T, p.Gln195Ter (NM_001014988.2); c.694C>T, p.Gln232Ter (NM_001014989.2); c.673C>T, p.Gln225Ter (NM_014387.4); short protein forms Q195*, Q232*, Q196*, Q225*.
Identifiers: ClinVar variation 4733323 (VCV004733323.1).

ClinVar aggregate classification (germline): Pathogenic (1 of 4 stars; one submission).

gnomAD v4.1: 1 of 1,614,140 alleles (0.000062%); highest among the groups gnomAD compares: East Asian, 0.0022%; no homozygotes.

Submission:

Labcorp Genetics (formerly Invitae), Labcorp
Classification: Pathogenic. Last evaluated: 2026-01-24. Review status: criteria provided, single submitter. Criteria: Invitae Variant Classification Sherloc (09022015). Collection method: clinical testing. Allele origin: germline.
Comment: This sequence change creates a premature translational stop signal (p.Gln196*) in the LAT gene. It is expected to result in an absent or disrupted protein product. Loss-of-function variants in LAT are known to be pathogenic (PMID: 27242165, 27522155). This variant is present in population databases (rs768840011, gnomAD 0.006%). This variant has not been reported in the literature in individuals affected with LAT-related conditions. For these reasons, this variant has been classified as Pathogenic.

Literature cited by the submitters: PubMed 27242165; PubMed 27522155.